The following is an entry in ClinVar:

ClinVar aggregate classification (germline): Uncertain significance (1 of 4 stars; one submission).

Submission:

GeneDx
Classification: Uncertain significance. Last evaluated: 2023-03-10. Review status: criteria provided, single submitter. Criteria: GeneDx Variant Classification Process June 2021. Collection method: clinical testing. Allele origin: germline. Affected: yes.
Comment: Not observed in large population cohorts (gnomAD); In silico analysis supports that this missense variant does not alter protein structure/function; Has not been previously published as pathogenic or benign to our knowledge

NM_006565.4(CTCF):c.160G>T (p.Val54Phe)

Gene: CTCF (CCCTC-binding factor; plus strand). Cytogenetic location: 16q22.1.
Variant type: single nucleotide variant.
Coding change: c.160G>T on transcript NM_006565.4 (MANE Select); coding-DNA position 160, G replaced by T.
Protein change: p.Val54Phe; replaces valine 54 with phenylalanine.
Molecular consequence: missense variant. On other transcripts: intron variant (1).
Genome position (GRCh38, 1-based): chr16:67,610,992, G>T. VCF-style: chr16-67610992-G-T. GRCh37 (hg19) VCF-style: chr16-67644895-G-T.
Other names: c.160G>T, p.Val54Phe (NM_001363916.2); c.-32-5753G>T (NM_001191022.2); short protein forms V54F.
Identifiers: ClinVar variation 2443371 (VCV002443371.1), dbSNP rs2142823935, ClinGen allele CA396302413.